The following is an entry in ClinVar:

NM_003269.5(NR2E1):c.279G>A (p.Gly93=)

Gene: NR2E1 (nuclear receptor subfamily 2 group E member 1; plus strand). Cytogenetic location: 6q21.
Variant type: single nucleotide variant.
Coding change: c.279G>A on transcript NM_003269.5 (MANE Select); coding-DNA position 279, G replaced by A.
Protein change: p.Gly93=; no amino-acid change (glycine 93 retained).
Molecular consequence: synonymous variant.
Genome position (GRCh38, 1-based): chr6:108,176,522, G>A. VCF-style: chr6-108176522-G-A. GRCh37 (hg19) VCF-style: chr6-108497726-G-A.
Other names: c.390G>A, p.Gly130= (NM_001286102.1).
Identifiers: ClinVar variation 3053203 (VCV003053203.2), dbSNP rs769686347, ClinGen allele CA3948300.

ClinVar aggregate classification (germline): Likely benign (0 of 4 stars; one submission).

Conditions:
NR2E1-related disorder. Also called: NR2E1-related condition.

Allele frequency attached by ClinVar (database versions not stated): gnomAD 0.00001; TOPMed 0.00001; ExAC 0.00002; gnomAD exomes 0.00003.

Submission:

PreventionGenetics, part of Exact Sciences
Classification: Likely benign for NR2E1-related condition. Last evaluated: 2019-09-04. Review status: no assertion criteria provided. Collection method: clinical testing. Allele origin: germline.
Comment: This variant is classified as likely benign based on ACMG/AMP sequence variant interpretation guidelines (Richards et al. 2015 PMID: 25741868, with internal and published modifications).